The following is an entry in ClinVar:

NM_005228.5(EGFR):c.1360A>G (p.Lys454Glu)

Gene: EGFR (epidermal growth factor receptor; plus strand). Cytogenetic location: 7p11.2.
Variant type: single nucleotide variant.
Coding change: c.1360A>G on transcript NM_005228.5 (MANE Select); coding-DNA position 1360, A replaced by G.
Protein change: p.Lys454Glu; replaces lysine 454 with glutamic acid.
Molecular consequence: missense variant.
Genome position (GRCh38, 1-based): chr7:55,160,200, A>G. VCF-style: chr7-55160200-A-G. GRCh37 (hg19) VCF-style: chr7-55227893-A-G.
Other names: c.1225A>G, p.Lys409Glu (NM_001346897.2, NM_001346899.2); c.1360A>G, p.Lys454Glu (NM_001346898.2, NM_201282.2, NM_201284.2); c.1201A>G, p.Lys401Glu (NM_001346900.2); c.559A>G, p.Lys187Glu (NM_001346941.2); short protein forms K187E, K409E, K454E, K401E.
Identifiers: ClinVar variation 4247307 (VCV004247307.1).

ClinVar aggregate classification (germline): Uncertain significance (1 of 4 stars; one submission).

Conditions:
Hereditary cancer-predisposing syndrome. Also called: Hereditary Cancer Syndrome; Hereditary neoplastic syndrome; Neoplastic Syndromes, Hereditary; Tumor predisposition. Identifiers: Orphanet 140162, MedGen C0027672, MeSH D009386, MONDO:0015356.

Submission:

Ambry Genetics
Classification: Uncertain significance for Hereditary cancer-predisposing syndrome. Last evaluated: 2025-07-17. Review status: criteria provided, single submitter. Criteria: Ambry Variant Classification Scheme 2023. Collection method: clinical testing. Allele origin: germline.
Comment: The p.K454E variant (also known as c.1360A>G), located in coding exon 12 of the EGFR gene, results from an A to G substitution at nucleotide position 1360. The lysine at codon 454 is replaced by glutamic acid, an amino acid with similar properties. This amino acid position is conserved. In addition, the in silico prediction for this alteration is inconclusive. Based on the available evidence, the clinical significance of this variant remains unclear.